The following is an entry in ClinVar:

NM_001386393.1(PANK2):c.265C>T (p.Gln89Ter)

Genes: PANK2 (pantothenate kinase 2; plus strand), LOC130065345 (ATAC-STARR-seq lymphoblastoid silent region 12635; plus strand). Cytogenetic location: 20p13.
Variant type: single nucleotide variant.
Coding change: c.265C>T on transcript NM_001386393.1 (MANE Select); coding-DNA position 265, C replaced by T.
Protein change: p.Gln89Ter; replaces glutamine 89 with a stop codon.
Molecular consequence: nonsense. On other transcripts: 5 prime UTR variant (1), non-coding transcript variant (1), intron variant (1).
Genome position (GRCh38, 1-based): chr20:3,889,695, C>T. VCF-style: chr20-3889695-C-T. GRCh37 (hg19) VCF-style: chr20-3870342-C-T.
Other names: c.-447C>T (NM_001324191.2); c.595C>T, p.Gln199Ter (NM_001324192.1, NM_153638.4); c.-246+791C>T (NM_024960.6); short protein forms Q89*, Q199*.
Identifiers: ClinVar variation 4088019 (VCV004088019.1).

ClinVar aggregate classification (germline): Pathogenic (1 of 4 stars; one submission).

Submission:

GeneDx
Classification: Pathogenic. Last evaluated: 2025-03-26. Review status: criteria provided, single submitter. Criteria: GeneDx Variant Classification Process June 2021. Collection method: clinical testing. Allele origin: germline. Affected: yes.
Comment: Nonsense variant predicted to result in protein truncation or nonsense mediated decay in a gene for which loss of function is a known mechanism of disease; Not observed at significant frequency in large population cohorts (gnomAD); This variant is associated with the following publications: (PMID: 37453004)